The following is an entry in ClinVar:

NM_000179.3(MSH6):c.839G>A (p.Ser280Asn)

Gene: MSH6 (mutS homolog 6; plus strand). Cytogenetic location: 2p16.3.
Variant type: single nucleotide variant.
Coding change: c.839G>A on transcript NM_000179.3 (MANE Select); coding-DNA position 839, G replaced by A.
Protein change: p.Ser280Asn; replaces serine 280 with asparagine.
Molecular consequence: missense variant. On other transcripts: 5 prime UTR variant (2).
Genome position (GRCh38, 1-based): chr2:47,798,822, G>A. VCF-style: chr2-47798822-G-A. GRCh37 (hg19) VCF-style: chr2-48025961-G-A.
Other names: c.449G>A, p.Ser150Asn (NM_001281492.2); c.-68G>A (NM_001281493.2, NM_001281494.2); short protein forms S280N, S150N.
Identifiers: ClinVar variation 855177 (VCV000855177.13), dbSNP rs1669261078, ClinGen allele CA346740501.

ClinVar aggregate classification (germline): Uncertain significance. Review status: criteria provided, multiple submitters, no conflicts (2 of 4 stars). 3 submissions from 3 submitters: Uncertain significance (3). Last evaluated 2024-07-10.

Conditions:
Hereditary nonpolyposis colorectal neoplasms. Identifiers: MedGen C0009405, MeSH D003123.
Hereditary cancer-predisposing syndrome. Also called: Neoplastic Syndromes, Hereditary; Hereditary Cancer Syndrome; Tumor predisposition; Hereditary neoplastic syndrome. Identifiers: Orphanet 140162, MedGen C0027672, MeSH D009386, MONDO:0015356.

Submissions (3):

Labcorp Genetics (formerly Invitae), Labcorp
Classification: Uncertain significance for Hereditary nonpolyposis colorectal neoplasms. Last evaluated: 2024-07-10. Review status: criteria provided, single submitter. Criteria: Invitae Variant Classification Sherloc (09022015). Collection method: clinical testing. Allele origin: germline.
Comment: This sequence change replaces serine, which is neutral and polar, with asparagine, which is neutral and polar, at codon 280 of the MSH6 protein (p.Ser280Asn). This variant is not present in population databases (gnomAD no frequency). This missense change has been observed in individual(s) with clinical features of MSH6-related conditions (PMID: 10612827). ClinVar contains an entry for this variant (Variation ID: 855177). Advanced modeling of protein sequence and biophysical properties (such as structural, functional, and spatial information, amino acid conservation, physicochemical variation, residue mobility, and thermodynamic stability) performed at Invitae indicates that this missense variant is not expected to disrupt MSH6 protein function with a negative predictive value of 95%. In summary, the available evidence is currently insufficient to determine the role of this variant in disease. Therefore, it has been classified as a Variant of Uncertain Significance.

Ambry Genetics
Classification: Uncertain significance for Hereditary cancer-predisposing syndrome. Last evaluated: 2024-07-09. Review status: criteria provided, single submitter. Criteria: Ambry Variant Classification Scheme 2023. Collection method: clinical testing. Allele origin: germline.
Comment: The p.S280N variant (also known as c.839G>A), located in coding exon 4 of the MSH6 gene, results from a G to A substitution at nucleotide position 839. The serine at codon 280 is replaced by asparagine, an amino acid with highly similar properties. This amino acid position is well conserved in available vertebrate species. In addition, this alteration is predicted to be tolerated by in silico analysis. Based on the available evidence, the clinical significance of this variant remains unclear.

Color Diagnostics, LLC DBA Color Health
Classification: Uncertain significance for Hereditary cancer-predisposing syndrome. Last evaluated: 2021-01-11. Review status: criteria provided, single submitter. Criteria: ACMG Guidelines, 2015. Collection method: clinical testing. Allele origin: germline.
Comment: This missense variant replaces serine with asparagine at codon 280 of the MSH6 protein. Computational prediction suggests that this variant may not impact protein structure and function (internally defined REVEL score threshold <= 0.5, PMID: 27666373). To our knowledge, functional studies have not been reported for this variant. This variant has not been reported in individuals affected with hereditary cancer in the literature. This variant has not been identified in the general population by the Genome Aggregation Database (gnomAD). The available evidence is insufficient to determine the role of this variant in disease conclusively. Therefore, this variant is classified as a Variant of Uncertain Significance.

Literature cited by the submitters: PubMed 10612827 (cited by Labcorp Genetics (formerly Invitae), Labcorp).